The following is an entry in ClinVar:

NM_001368067.1(LDB3):c.790T>A (p.Phe264Ile)

Gene: LDB3 (LIM domain binding 3; plus strand). Cytogenetic location: 10q23.2.
Variant type: single nucleotide variant.
Coding change: c.790T>A on transcript NM_001368067.1 (MANE Plus Clinical); coding-DNA position 790, T replaced by A.
Protein change: p.Phe264Ile; replaces phenylalanine 264 with isoleucine.
Molecular consequence: missense variant. On other transcripts: intron variant (6).
Genome position (GRCh38, 1-based): chr10:86,699,312, T>A. VCF-style: chr10-86699312-T-A. GRCh37 (hg19) VCF-style: chr10-88459069-T-A.
Other names: c.931T>A, p.Phe311Ile (NM_001080115.2, NM_001368063.1); c.790T>A, p.Phe264Ile (NM_001080116.1, NM_001368068.1); c.1135T>A, p.Phe379Ile (NM_001171611.2); c.896+6741T>A (NM_001368064.1, NM_007078.3, NM_001368065.1); c.1100+6741T>A (NM_001171610.2); c.755+6741T>A (NM_001368066.1, NM_001080114.2); short protein forms F264I, F379I, F311I.
Identifiers: ClinVar variation 2012257 (VCV002012257.4), dbSNP rs751962580, ClinGen allele CA5584976.

ClinVar aggregate classification (germline): Uncertain significance (1 of 4 stars; one submission).

Conditions:
Myofibrillar myopathy 4. Also called: Zaspopathy (type). Identifiers: Orphanet 98912, MedGen C4721886, MONDO:0012277, OMIM 609452.

Allele frequency attached by ClinVar (database versions not stated): gnomAD exomes below 0.00001; ExAC 0.00001.
gnomAD v4.1: 1 of 1,613,816 alleles (0.000062%); highest among the groups gnomAD compares: East Asian, 0.0022%; no homozygotes.

Submission:

Labcorp Genetics (formerly Invitae), Labcorp
Classification: Uncertain significance for Myofibrillar myopathy 4. Last evaluated: 2021-12-30. Review status: criteria provided, single submitter. Criteria: Invitae Variant Classification Sherloc (09022015). Collection method: clinical testing. Allele origin: germline.
Comment: This sequence change replaces phenylalanine, which is neutral and non-polar, with isoleucine, which is neutral and non-polar, at codon 264 of the LDB3 protein (p.Phe264Ile). In summary, the available evidence is currently insufficient to determine the role of this variant in disease. Therefore, it has been classified as a Variant of Uncertain Significance. Algorithms developed to predict the effect of missense changes on protein structure and function (SIFT, PolyPhen-2, Align-GVGD) all suggest that this variant is likely to be tolerated. This variant has not been reported in the literature in individuals affected with LDB3-related conditions. This variant is present in population databases (rs751962580, gnomAD 0.006%).